The following is an entry in ClinVar:

ClinVar aggregate classification (germline): Uncertain significance (1 of 4 stars; one submission).

Conditions:
Hyperphosphatasia with impaired intellectual development syndrome 2. Also called: GLYCOSYLPHOSPHATIDYLINOSITOL BIOSYNTHESIS DEFECT 6; Hyperphosphatasia with intellectual disability syndrome 2. Identifiers: Orphanet 247262, MedGen C3553637, MONDO:0013882, OMIM 614749.

Submission:

Labcorp Genetics (formerly Invitae), Labcorp
Classification: Uncertain significance for Hyperphosphatasia with impaired intellectual development syndrome 2. Last evaluated: 2024-11-18. Review status: criteria provided, single submitter. Criteria: Invitae Variant Classification Sherloc (09022015). Collection method: clinical testing. Allele origin: germline.
Comment: This sequence change replaces alanine, which is neutral and non-polar, with aspartic acid, which is acidic and polar, at codon 874 of the PIGO protein (p.Ala874Asp). This variant is not present in population databases (gnomAD no frequency). This variant has not been reported in the literature in individuals affected with PIGO-related conditions. Invitae Evidence Modeling of protein sequence and biophysical properties (such as structural, functional, and spatial information, amino acid conservation, physicochemical variation, residue mobility, and thermodynamic stability) indicates that this missense variant is not expected to disrupt PIGO protein function with a negative predictive value of 80%. In summary, the available evidence is currently insufficient to determine the role of this variant in disease. Therefore, it has been classified as a Variant of Uncertain Significance.

NM_032634.4(PIGO):c.2621C>A (p.Ala874Asp)

Gene: PIGO (phosphatidylinositol glycan anchor biosynthesis class O; minus strand). Cytogenetic location: 9p13.3.
Variant type: single nucleotide variant.
Coding change: c.2621C>A on transcript NM_032634.4 (MANE Select); coding-DNA position 2621, C replaced by A.
Protein change: p.Ala874Asp; replaces alanine 874 with aspartic acid.
Molecular consequence: missense variant.
Genome position (GRCh38, 1-based): chr9:35,091,266, G>T on the plus strand (C>A on the coding strand, the complement: PIGO is on the minus strand). VCF-style: chr9-35091266-G-T. GRCh37 (hg19) VCF-style: chr9-35091263-G-T.
Other names: c.1370C>A, p.Ala457Asp (NM_001201484.2, NM_152850.4); short protein forms A457D, A874D.
Identifiers: ClinVar variation 3654113 (VCV003654113.2).